The following is an entry in ClinVar:

NM_022114.4(PRDM16):c.2809_2810dup (p.Thr938fs)

Gene: PRDM16 (PR/SET domain 16; plus strand). Cytogenetic location: 1p36.32.
Variant type: Duplication.
Coding change: c.2809_2810dup on transcript NM_022114.4 (MANE Select); coding-DNA positions 2809 to 2810, 2 bases duplicated (CC; older notation c.2809_2810dupCC).
Protein change: p.Thr938fs; shifts the reading frame from threonine 938.
Molecular consequence: frameshift variant.
Genome position (GRCh38, 1-based): chr1:3,417,945-3,417,946, CC duplicated; duplicating any 2 consecutive bases within chr1:3,417,942-3,417,946 gives the same sequence; the c. name uses the placement nearest the transcript's 3' end. VCF-style (leftmost placement, unchanged base first): chr1-3417941-A-ACC. GRCh37 (hg19) VCF-style: chr1-3334505-A-ACC.
Other names: p.Thr938GlnfsX34; c.2809_2810dup, p.Thr938fs (NM_199454.3); short protein forms T938fs.
Identifiers: ClinVar variation 229166 (VCV000229166.5), dbSNP rs876657961, ClinGen allele CA10576422.

ClinVar aggregate classification (germline): Uncertain significance (1 of 4 stars; one submission).

Submission:

Laboratory for Molecular Medicine, Mass General Brigham Personalized Medicine
Classification: Uncertain significance. Last evaluated: 2016-03-02. Review status: criteria provided, single submitter. Criteria: LMM Criteria. Collection method: clinical testing. Allele origin: germline. Observed: 1 variant allele.
Comment: Variant classified as Uncertain Significance - Favor Pathogenic. The p.Thr938Gln fsX34 variant in PRDM16 has not been previously reported in individuals with car diomyopathy or in large population studies. This variant is predicted to cause a frameshift, which alters the protein?s amino acid sequence beginning at positio n 938 and leads to a premature termination codon 34 amino acids downstream. This alteration is then predicted to lead to a truncated or absent protein. Heterozy gous deletions including the PRDM16 gene have been reported in individuals with 1p36 deletion syndrome (with cardiac phenotypes including septal defects and LVN C). However, the specific role of the PRDM16 gene is not clear (Arndt 2013, De L eeuw 2014) and small intra-exonic loss of function variants have not yet been we ll studied. In summary, while there is some suspicion for a pathogenic role, the clinical significance of the p.Thr938GlnfsX34 variant is uncertain.